The following is an entry in ClinVar:

NM_016247.4(IMPG2):c.1169G>A (p.Arg390His)

Gene: IMPG2 (interphotoreceptor matrix proteoglycan 2; minus strand). Cytogenetic location: 3q12.3.
Variant type: single nucleotide variant.
Coding change: c.1169G>A on transcript NM_016247.4 (MANE Select); coding-DNA position 1169, G replaced by A.
Protein change: p.Arg390His; replaces arginine 390 with histidine.
Molecular consequence: missense variant.
Genome position (GRCh38, 1-based): chr3:101,253,766, C>T on the plus strand (G>A on the coding strand, the complement: IMPG2 is on the minus strand). VCF-style: chr3-101253766-C-T. GRCh37 (hg19) VCF-style: chr3-100972610-C-T.
Other names: short protein forms R390H.
Identifiers: ClinVar variation 342353 (VCV000342353.18), dbSNP rs139255481, ClinGen allele CA2519255.

ClinVar aggregate classification (germline): Conflicting classifications of pathogenicity. Review status: criteria provided, conflicting classifications (1 of 4 stars). 5 submissions from 5 submitters: Uncertain significance (1); Benign (1); Likely benign (2). 1 of the submissions does not count toward it. Last evaluated 2025-12-15.

Conditions:
IMPG2-related disorder. Also called: IMPG2-related condition.
Retinal dystrophy. Also called: Inherited retinal dystrophy. Identifiers: Orphanet 71862, MedGen C0854723, MeSH D058499, MONDO:0019118, HP:0000556.
Retinitis pigmentosa (RP). Identifiers: Orphanet 791, MedGen C0035334, MeSH D012174, MONDO:0019200, OMIM 268000. Inheritance: Autosomal dominant, autosomal recessive and X linked inheritance.

Allele frequency attached by ClinVar (database versions not stated): ESP Exome Variant Server 0.00054; gnomAD 0.00072 and 0.00091; gnomAD exomes 0.00088 and 0.00132; TOPMed 0.00100; ExAC 0.00150; 1000 Genomes Project 30x 0.00203; 1000 Genomes Project 0.00220.
gnomAD v4.1: 1,443 of 1,609,918 alleles (0.09%); highest among the groups gnomAD compares: East Asian, 0.73%; 3 homozygotes.

Submissions (5):

Labcorp Genetics (formerly Invitae), Labcorp
Classification: Likely benign. Last evaluated: 2025-12-15. Review status: criteria provided, single submitter. Criteria: Invitae Variant Classification Sherloc (09022015). Collection method: clinical testing. Allele origin: germline.

Blueprint Genetics
Classification: Likely benign. Last evaluated: 2024-10-30. Review status: criteria provided, single submitter. Criteria: ACMG Guidelines, 2015. Collection method: clinical testing. Allele origin: germline.

Dept Of Ophthalmology, Nagoya University
Classification: Benign for Retinal dystrophy. Last evaluated: 2023-10-01. Review status: criteria provided, single submitter. Criteria: Submitter's publication. Collection method: research. Allele origin: germline. Affected: yes.

Illumina Laboratory Services, Illumina
Classification: Uncertain significance for Retinitis pigmentosa. Last evaluated: 2018-01-13. Review status: criteria provided, single submitter. Criteria: ICSL Variant Classification Criteria 13 December 2019. Collection method: clinical testing. Allele origin: germline.

PreventionGenetics, part of Exact Sciences
Classification: Likely benign for IMPG2-related condition. Last evaluated: 2020-03-18. Review status: no assertion criteria provided. Collection method: clinical testing. Allele origin: germline. Not counted in ClinVar's aggregate classification.
Comment: This variant is classified as likely benign based on ACMG/AMP sequence variant interpretation guidelines (Richards et al. 2015 PMID: 25741868, with internal and published modifications).